The following is an entry in ClinVar:

ClinVar aggregate classification (germline): Likely benign (0 of 4 stars; one submission).

Conditions:
KCNQ1-related disorder. Also called: KCNQ1-related condition; KCNQ1-related disorders. Identifiers: MedGen CN239322.

Submission:

PreventionGenetics, part of Exact Sciences
Classification: Likely benign for KCNQ1-related condition. Last evaluated: 2020-07-27. Review status: no assertion criteria provided. Collection method: clinical testing. Allele origin: germline.
Comment: This variant is classified as likely benign based on ACMG/AMP sequence variant interpretation guidelines (Richards et al. 2015 PMID: 25741868, with internal and published modifications).

NM_000218.3(KCNQ1):c.1514+5130del

Genes: KCNQ1 (potassium voltage-gated channel subfamily Q member 1; plus strand), KCNQ1OT1 (KCNQ1 opposite strand/antisense transcript 1; minus strand). Cytogenetic location: 11p15.5.
Variant type: Deletion.
Coding change: c.1514+5130del on transcript NM_000218.3 (MANE Select); 5130 bases into the intron after coding-DNA position 1514, one base deleted (C; older notation c.1514+5130delC).
Molecular consequence: intron variant. On other transcripts: non-coding transcript variant (1).
Genome position (GRCh38, 1-based): chr11:2,667,211, C deleted; the last of 5 consecutive C bases (chr11:2,667,207-2,667,211); deleting any one gives the same sequence. VCF-style (leftmost placement, unchanged base first): chr11-2667206-GC-G. GRCh37 (hg19) VCF-style: chr11-2688436-GC-G.
Other names: c.1244+5130del (NM_001406837.1); c.1418+5130del (NM_001406836.1); c.974+5130del (NM_001406838.1); c.1133+5130del (NM_181798.2).
Identifiers: ClinVar variation 3035989 (VCV003035989.2), dbSNP rs1214375461, ClinGen allele CA597443136.